The following is an entry in ClinVar:

NM_002381.5(MATN3):c.368C>A (p.Ala123Glu)

Gene: MATN3 (matrilin 3; minus strand). Cytogenetic location: 2p24.1.
Variant type: single nucleotide variant.
Coding change: c.368C>A on transcript NM_002381.5 (MANE Select); coding-DNA position 368, C replaced by A.
Protein change: p.Ala123Glu; replaces alanine 123 with glutamic acid.
Molecular consequence: missense variant.
Genome position (GRCh38, 1-based): chr2:20,006,166, G>T on the plus strand (C>A on the coding strand, the complement: MATN3 is on the minus strand). VCF-style: chr2-20006166-G-T. GRCh37 (hg19) VCF-style: chr2-20205927-G-T.
Other names: short protein forms A123E.
Identifiers: ClinVar variation 1023438 (VCV001023438.8), dbSNP rs1673102663, ClinGen allele CA345951244.

ClinVar aggregate classification (germline): Uncertain significance (1 of 4 stars; one submission).

Submission:

Labcorp Genetics (formerly Invitae), Labcorp
Classification: Uncertain significance. Last evaluated: 2020-06-13. Review status: criteria provided, single submitter. Criteria: Invitae Variant Classification Sherloc (09022015). Collection method: clinical testing. Allele origin: germline.
Comment: In summary, the available evidence is currently insufficient to determine the role of this variant in disease. Therefore, it has been classified as a Variant of Uncertain Significance. Algorithms developed to predict the effect of missense changes on protein structure and function (SIFT, PolyPhen-2, Align-GVGD) all suggest that this variant is likely to be disruptive, but these predictions have not been confirmed by published functional studies and their clinical significance is uncertain. This variant has been observed in individual(s) with multiple epiphyseal dysplasia (PMID: 15459972, Invitae). This variant is not present in population databases (ExAC no frequency). This sequence change replaces alanine with glutamic acid at codon 123 of the MATN3 protein (p.Ala123Glu). The alanine residue is highly conserved and there is a moderate physicochemical difference between alanine and glutamic acid.

Literature cited by the submitters: PubMed 15459972.